The following is an entry in ClinVar:

ClinVar aggregate classification (germline): Uncertain significance. Review status: criteria provided, multiple submitters, no conflicts (2 of 4 stars). 2 submissions from 2 submitters: Uncertain significance (2). Last evaluated 2024-10-29.

Conditions:
Inborn genetic diseases. Identifiers: MedGen C0950123, MeSH D030342.

gnomAD v4.1: 5 of 1,614,254 alleles (0.00031%); highest among the groups gnomAD compares: East Asian, 0.0045%; no homozygotes.

Submissions (2):

Labcorp Genetics (formerly Invitae), Labcorp
Classification: Uncertain significance. Last evaluated: 2024-10-29. Review status: criteria provided, single submitter. Criteria: Invitae Variant Classification Sherloc (09022015). Collection method: clinical testing. Allele origin: germline.
Comment: This sequence change replaces valine, which is neutral and non-polar, with leucine, which is neutral and non-polar, at codon 1693 of the FLNB protein (p.Val1693Leu). This variant is not present in population databases (gnomAD no frequency). This variant has not been reported in the literature in individuals affected with FLNB-related conditions. Invitae Evidence Modeling of protein sequence and biophysical properties (such as structural, functional, and spatial information, amino acid conservation, physicochemical variation, residue mobility, and thermodynamic stability) indicates that this missense variant is not expected to disrupt FLNB protein function with a negative predictive value of 95%. In summary, the available evidence is currently insufficient to determine the role of this variant in disease. Therefore, it has been classified as a Variant of Uncertain Significance.

Ambry Genetics
Classification: Uncertain significance for Inborn genetic diseases. Last evaluated: 2024-09-20. Review status: criteria provided, single submitter. Criteria: Ambry Variant Classification Scheme 2023. Collection method: clinical testing. Allele origin: germline.

NM_001457.4(FLNB):c.5077G>C (p.Val1693Leu)

Gene: FLNB (filamin B; plus strand). Cytogenetic location: 3p14.3.
Variant type: single nucleotide variant.
Coding change: c.5077G>C on transcript NM_001457.4 (MANE Select); coding-DNA position 5077, G replaced by C.
Protein change: p.Val1693Leu; replaces valine 1693 with leucine.
Molecular consequence: missense variant.
Genome position (GRCh38, 1-based): chr3:58,138,497, G>C. VCF-style: chr3-58138497-G-C. GRCh37 (hg19) VCF-style: chr3-58124224-G-C.
Other names: c.5170G>C, p.Val1724Leu (NM_001164317.2); c.5077G>C, p.Val1693Leu (NM_001164318.2, NM_001164319.2); short protein forms V1693L, V1724L.
Identifiers: ClinVar variation 3515910 (VCV003515910.3).